The following is an entry in ClinVar:

ClinVar aggregate classification (germline): Likely benign (1 of 4 stars; one submission).

Submission:

CeGaT Center for Human Genetics Tuebingen
Classification: Likely benign. Last evaluated: 2024-11-01. Review status: criteria provided, single submitter. Criteria: CeGaT Center For Human Genetics Tuebingen Variant Classification Criteria Version 2. Collection method: clinical testing. Allele origin: germline. Affected: yes. Observed: 1 variant allele.
Comment: CUBN: PM2:Supporting, BP4, BP7

NM_001081.4(CUBN):c.2850T>C (p.Asn950=)

Gene: CUBN (cubilin; minus strand). Cytogenetic location: 10p13.
Variant type: single nucleotide variant.
Coding change: c.2850T>C on transcript NM_001081.4 (MANE Select); coding-DNA position 2850, T replaced by C.
Protein change: p.Asn950=; no amino-acid change (asparagine 950 retained).
Molecular consequence: synonymous variant.
Genome position (GRCh38, 1-based): chr10:17,068,222, A>G on the plus strand (T>C on the coding strand, the complement: CUBN is on the minus strand). VCF-style: chr10-17068222-A-G. GRCh37 (hg19) VCF-style: chr10-17110221-A-G.
Identifiers: ClinVar variation 3390152 (VCV003390152.14).